The following is an entry in ClinVar:

NM_198965.2(PTHLH):c.7C>G (p.Arg3Gly)

Gene: PTHLH (parathyroid hormone like hormone; minus strand). Cytogenetic location: 12p11.22.
Variant type: single nucleotide variant.
Coding change: c.7C>G on transcript NM_198965.2 (MANE Select); coding-DNA position 7, C replaced by G.
Protein change: p.Arg3Gly; replaces arginine 3 with glycine.
Molecular consequence: missense variant.
Genome position (GRCh38, 1-based): chr12:27,969,488, G>C on the plus strand (C>G on the coding strand, the complement: PTHLH is on the minus strand). VCF-style: chr12-27969488-G-C. GRCh37 (hg19) VCF-style: chr12-28122421-G-C.
Other names: c.7C>G, p.Arg3Gly (NM_002820.3, NM_198964.2, NM_198966.2); short protein forms R3G.
Identifiers: ClinVar variation 3714534 (VCV003714534.2).
Genomic context (GRCh38, chr12:27,969,488, plus strand): 5'-AGGAGGGCACCGCGTAGCTCAGCAGGAACACCGCGACGCTCCACTGCTGAACCAGTCTCC[G>C]CTGCATCGTCTCCGCTCGCGCTCGGGACCTGCAACAGAAGGGAATGGGACCCGAGTGTCA-3'
Protein context (NP_945316.1, residues 1-13): MQ[Arg3Gly]RLVQQWSVAV

ClinVar aggregate classification (germline): Uncertain significance (1 of 4 stars; one submission).

Submission:

Labcorp Genetics (formerly Invitae), Labcorp
Classification: Uncertain significance. Last evaluated: 2024-08-21. Review status: criteria provided, single submitter. Criteria: Invitae Variant Classification Sherloc (09022015). Collection method: clinical testing. Allele origin: germline.
Comment: This sequence change replaces arginine, which is basic and polar, with glycine, which is neutral and non-polar, at codon 3 of the PTHLH protein (p.Arg3Gly). This variant is not present in population databases (gnomAD no frequency). This variant has not been reported in the literature in individuals affected with PTHLH-related conditions. An algorithm developed to predict the effect of missense changes on protein structure and function (PolyPhen-2) suggests that this variant is likely to be tolerated. In summary, the available evidence is currently insufficient to determine the role of this variant in disease. Therefore, it has been classified as a Variant of Uncertain Significance.